The following is an entry in ClinVar:

ClinVar aggregate classification (germline): Pathogenic. Review status: reviewed by expert panel (3 of 4 stars). 2 submissions from 2 submitters: Pathogenic (1). 1 of the submissions does not count toward it. Last evaluated 2016-10-18.

Conditions:
Breast-ovarian cancer, familial, susceptibility to, 2 (BROVCA2). Also called: BRCA2 Hereditary Breast and Ovarian Cancer. Identifiers: Orphanet 145, MedGen C2675520, MONDO:0012933, OMIM 612555. Disease mechanism: loss of function.

Submissions (2):

Evidence-based Network for the Interpretation of Germline Mutant Alleles (ENIGMA)
Classification: Pathogenic for Breast-ovarian cancer, familial, susceptibility to, 2. Last evaluated: 2016-10-18. Review status: reviewed by expert panel. Criteria: ENIGMA BRCA1/2 Classification Criteria (2015). Collection method: curation. Allele origin: germline.
Comment: Variant allele predicted to encode a truncated non-functional protein.

Consortium of Investigators of Modifiers of BRCA1/2 (CIMBA), c/o University of Cambridge
Classification: Pathogenic for Breast-ovarian cancer, familial, susceptibility to, 2. Last evaluated: 2015-10-02. Review status: criteria provided, single submitter. Criteria: CIMBA Mutation Classification guidelines May 2016. Collection method: clinical testing. Allele origin: germline. Not counted in ClinVar's aggregate classification.

NM_000059.4(BRCA2):c.6999_7000insT (p.Pro2334fs)

Gene: BRCA2 (BRCA2 DNA repair associated; plus strand). Cytogenetic location: 13q13.1.
Variant type: Insertion.
Coding change: c.6999_7000insT on transcript NM_000059.4 (MANE Select); coding-DNA positions 6999 to 7000, T inserted.
Protein change: p.Pro2334fs; shifts the reading frame from proline 2334.
Molecular consequence: frameshift variant.
Genome position: GRCh38 VCF-style: chr13-32346888-A-AT. GRCh37 (hg19) VCF-style: chr13-32921025-A-AT.
Other names: 7227insT; short protein forms P2334fs.
Identifiers: ClinVar variation 266978 (VCV000266978.7), dbSNP rs886040680, ClinGen allele CA10589405.